The following is an entry in ClinVar:

ClinVar aggregate classification (germline): Likely benign (1 of 4 stars; one submission).

gnomAD v4.1: 8 of 1,613,938 alleles (0.0005%); highest among the groups gnomAD compares: Non-Finnish European, 0.00068%; no homozygotes.

Submission:

CeGaT Center for Human Genetics Tuebingen
Classification: Likely benign. Last evaluated: 2024-05-01. Review status: criteria provided, single submitter. Criteria: CeGaT Center For Human Genetics Tuebingen Variant Classification Criteria Version 2. Collection method: clinical testing. Allele origin: germline. Affected: yes. Observed: 1 variant allele.
Comment: SCN11A: BP4, BP7

NM_001349253.2(SCN11A):c.4479G>C (p.Ser1493=)

Gene: SCN11A (sodium voltage-gated channel alpha subunit 11; minus strand). Cytogenetic location: 3p22.2.
Variant type: single nucleotide variant.
Coding change: c.4479G>C on transcript NM_001349253.2 (MANE Select); coding-DNA position 4479, G replaced by C.
Protein change: p.Ser1493=; no amino-acid change (serine 1493 retained).
Molecular consequence: synonymous variant.
Genome position (GRCh38, 1-based): chr3:38,847,591, C>G on the plus strand (G>C on the coding strand, the complement: SCN11A is on the minus strand). VCF-style: chr3-38847591-C-G. GRCh37 (hg19) VCF-style: chr3-38889082-C-G.
Other names: c.4479G>C, p.Ser1493= (NM_014139.3).
Identifiers: ClinVar variation 3239352 (VCV003239352.19), dbSNP rs201757165.